The following is an entry in ClinVar:

ClinVar aggregate classification (germline): Uncertain significance. Review status: criteria provided, multiple submitters, no conflicts (2 of 4 stars). 2 submissions from 2 submitters: Uncertain significance (2). Last evaluated 2022-12-13.

Allele frequency attached by ClinVar (database versions not stated): gnomAD exomes 0.00001.
gnomAD v4.1: 6 of 1,210,592 alleles (0.0005%); highest among the groups gnomAD compares: Non-Finnish European, 0.00067%; no homozygotes.

Submissions (2):

Labcorp Genetics (formerly Invitae), Labcorp
Classification: Uncertain significance. Last evaluated: 2022-12-13. Review status: criteria provided, single submitter. Criteria: Invitae Variant Classification Sherloc (09022015). Collection method: clinical testing. Allele origin: germline.
Comment: This sequence change replaces arginine, which is basic and polar, with glutamine, which is neutral and polar, at codon 1746 of the BRWD3 protein (p.Arg1746Gln). Advanced modeling of protein sequence and biophysical properties (such as structural, functional, and spatial information, amino acid conservation, physicochemical variation, residue mobility, and thermodynamic stability) performed at Invitae indicates that this missense variant is not expected to disrupt BRWD3 protein function. In summary, the available evidence is currently insufficient to determine the role of this variant in disease. Therefore, it has been classified as a Variant of Uncertain Significance. ClinVar contains an entry for this variant (Variation ID: 386131). This variant has not been reported in the literature in individuals affected with BRWD3-related conditions. This variant is not present in population databases (gnomAD no frequency).

GeneDx
Classification: Uncertain significance. Last evaluated: 2016-05-09. Review status: criteria provided, single submitter. Criteria: GeneDx Variant Classification (06012015). Collection method: clinical testing. Allele origin: germline. Affected: yes.
Comment: The R1746Q variant in the BRWD3 gene has not been reported previously as a pathogenic variant, nor as a benign variant, to our knowledge. The R1746Q variant was not observed in approximately 6,500 individuals of European and African American ancestry in the NHLBI Exome Sequencing Project, indicating it is not a common benign variant in these populations. The R1746Q variant is a semi-conservative amino acid substitution, which may impact secondary protein structure as these residues differ in some properties. This substitution occurs at a position that is conserved across species. In silico analysis predicts this variant is probably damaging to the protein structure/function. We interpret R1746Q as a variant of uncertain significance.

NM_153252.5(BRWD3):c.5237G>A (p.Arg1746Gln)

Gene: BRWD3 (bromodomain and WD repeat domain containing 3; minus strand). Cytogenetic location: Xq21.1.
Variant type: single nucleotide variant.
Coding change: c.5237G>A on transcript NM_153252.5 (MANE Select); coding-DNA position 5237, G replaced by A.
Protein change: p.Arg1746Gln; replaces arginine 1746 with glutamine.
Molecular consequence: missense variant.
Genome position (GRCh38, 1-based): chrX:80,676,781, C>T on the plus strand (G>A on the coding strand, the complement: BRWD3 is on the minus strand). VCF-style: chrX-80676781-C-T. GRCh37 (hg19) VCF-style: chrX-79932280-C-T.
Other names: short protein forms R1746Q.
Identifiers: ClinVar variation 386131 (VCV000386131.5), dbSNP rs918551619, ClinGen allele CA16608994.